The following is an entry in ClinVar:

ClinVar aggregate classification (germline): Likely benign (1 of 4 stars; one submission).

Conditions:
Malignant hyperthermia, susceptibility to, 5 (MHS5). Also called: CACNA1S-Related Malignant Hyperthermia Susceptibility. Identifiers: Orphanet 423, MedGen C1866077, MONDO:0011163, OMIM 601887.

Allele frequency attached by ClinVar (database versions not stated): gnomAD exomes below 0.00001; ExAC 0.00001.
gnomAD v4.1: 1 of 1,613,926 alleles (0.000062%); highest among the groups gnomAD compares: Non-Finnish European, 0.000085%; no homozygotes.

Submission:

All of Us Research Program, National Institutes of Health
Classification: Likely benign for Malignant hyperthermia, susceptibility to, 5. Last evaluated: 2023-09-17. Review status: criteria provided, single submitter. Criteria: ACMG Guidelines, 2015. Collection method: clinical testing. Allele origin: germline. Inheritance: Autosomal dominant inheritance. Observed: 1 variant allele, 1 heterozygote.
Comment: This study involves interpretation of variants in research participants for the purpose of population health screening. Participant phenotype was not available at the time of variant classification. Additional details can be found in publication PMID: 35346344, PMCID: PMC8962531

NM_000069.3(CACNA1S):c.2742G>A (p.Leu914=)

Gene: CACNA1S (calcium voltage-gated channel subunit alpha1 S; minus strand). Cytogenetic location: 1q32.1.
Variant type: single nucleotide variant.
Coding change: c.2742G>A on transcript NM_000069.3 (MANE Select); coding-DNA position 2742, G replaced by A.
Protein change: p.Leu914=; no amino-acid change (leucine 914 retained).
Molecular consequence: synonymous variant.
Genome position (GRCh38, 1-based): chr1:201,066,232, C>T on the plus strand (G>A on the coding strand, the complement: CACNA1S is on the minus strand). VCF-style: chr1-201066232-C-T. GRCh37 (hg19) VCF-style: chr1-201035360-C-T.
Identifiers: ClinVar variation 3073404 (VCV003073404.1), dbSNP rs752740321, ClinGen allele CA079237.